The following is an entry in ClinVar:

ClinVar aggregate classification (germline): Uncertain significance (1 of 4 stars; one submission).

Submission:

Labcorp Genetics (formerly Invitae), Labcorp
Classification: Uncertain significance. Last evaluated: 2023-06-22. Review status: criteria provided, single submitter. Criteria: Invitae Variant Classification Sherloc (09022015). Collection method: clinical testing. Allele origin: germline.
Comment: In summary, the available evidence is currently insufficient to determine the role of this variant in disease. Therefore, it has been classified as a Variant of Uncertain Significance. An algorithm developed to predict the effect of missense changes on protein structure and function (PolyPhen-2) suggests that this variant is likely to be tolerated. This variant has not been reported in the literature in individuals affected with VPS33B-related conditions. This variant is not present in population databases (gnomAD no frequency). This sequence change replaces alanine, which is neutral and non-polar, with serine, which is neutral and polar, at codon 105 of the VPS33B protein (p.Ala105Ser).

NM_018668.5(VPS33B):c.313G>T (p.Ala105Ser)

Gene: VPS33B (VPS33B late endosome and lysosome associated; minus strand). Cytogenetic location: 15q26.1.
Variant type: single nucleotide variant.
Coding change: c.313G>T on transcript NM_018668.5 (MANE Select); coding-DNA position 313, G replaced by T.
Protein change: p.Ala105Ser; replaces alanine 105 with serine.
Molecular consequence: missense variant.
Genome position (GRCh38, 1-based): chr15:91,013,848, C>A on the plus strand (G>T on the coding strand, the complement: VPS33B is on the minus strand). VCF-style: chr15-91013848-C-A. GRCh37 (hg19) VCF-style: chr15-91557078-C-A.
Other names: c.232G>T, p.Ala78Ser (NM_001289148.1); c.40G>T, p.Ala14Ser (NM_001289149.1); short protein forms A14S, A105S, A78S.
Identifiers: ClinVar variation 2724128 (VCV002724128.3), dbSNP rs2544254448, ClinGen allele CA393859981.
Genomic context (GRCh38, chr15:91,013,848, plus strand): 5'-CAGGATCCAAACTCACCTTTTGAGGGCTGAAGATCACTTTGTATTTGCGAGTTCGGCCAG[C>A]CAATTTGTCAGCATTGACAAGACCTACAGAGAGAAGGAATGCAGCCCAGCAAGTCATGGG-3'
Protein context (NP_061138.3, residues 95-115): IASLVNADKL[Ala105Ser]GRTRKYKVIF